The following is an entry in ClinVar:

NC_000009.12:g.95317856C>G

Gene: FANCC (FA complementation group C; minus strand). Cytogenetic location: 9q22.32.
Variant type: single nucleotide variant.
Genome position: GRCh38 VCF-style: chr9-95317856-C-G. GRCh37 (hg19) VCF-style: chr9-98080138-C-G.
Identifiers: ClinVar variation 1691140 (VCV001691140.3), dbSNP rs4647347, ClinGen allele CA196952625.

ClinVar aggregate classification (germline): Likely benign (1 of 4 stars; one submission).

Allele frequency attached by ClinVar (database versions not stated): 1000 Genomes Project 0.00839; gnomAD 0.00878 and 0.00934; 1000 Genomes Project 30x 0.00906; TOPMed 0.00954.

Submission:

GeneDx
Classification: Likely benign. Last evaluated: 2021-12-02. Review status: criteria provided, single submitter. Criteria: GeneDx Variant Classification Process June 2021. Collection method: clinical testing. Allele origin: germline. Affected: yes.
Comment: See Variant Classification Assertion Criteria.